The following is an entry in ClinVar:

NM_000051.4(ATM):c.4259T>C (p.Leu1420Pro)

Gene: ATM (ATM serine/threonine kinase; plus strand). Cytogenetic location: 11q22.3.
Variant type: single nucleotide variant.
Coding change: c.4259T>C on transcript NM_000051.4 (MANE Select); coding-DNA position 4259, T replaced by C.
Protein change: p.Leu1420Pro; replaces leucine 1420 with proline.
Molecular consequence: missense variant.
Genome position (GRCh38, 1-based): chr11:108,289,624, T>C. VCF-style: chr11-108289624-T-C. GRCh37 (hg19) VCF-style: chr11-108160351-T-C.
Other names: c.4259T>C, p.Leu1420Pro (NM_001351834.2); short protein forms L1420P.
Identifiers: ClinVar variation 824729 (VCV000824729.4), dbSNP rs1591662657, ClinGen allele CA382531141.

ClinVar aggregate classification (germline): Uncertain significance (1 of 4 stars; one submission).

Conditions:
Hereditary cancer-predisposing syndrome. Also called: Neoplastic Syndromes, Hereditary; Tumor predisposition; Hereditary neoplastic syndrome; Hereditary Cancer Syndrome. Identifiers: Orphanet 140162, MedGen C0027672, MeSH D009386, MONDO:0015356.

Submission:

Ambry Genetics
Classification: Uncertain significance for Hereditary cancer-predisposing syndrome. Last evaluated: 2019-11-07. Review status: criteria provided, single submitter. Criteria: Ambry Variant Classification Scheme 2023. Collection method: clinical testing. Allele origin: germline.
Comment: The p.L1420P variant (also known as c.4259T>C), located in coding exon 28 of the ATM gene, results from a T to C substitution at nucleotide position 4259. The leucine at codon 1420 is replaced by proline, an amino acid with similar properties. This amino acid position is well conserved in available vertebrate species. In addition, this alteration is predicted to be deleterious by in silico analysis. Since supporting evidence is limited at this time, the clinical significance of this alteration remains unclear.